The following is an entry in ClinVar:

NM_016580.4(PCDH12):c.67G>T (p.Asp23Tyr)

Genes: PCDH12 (protocadherin 12; minus strand), RNF14 (ring finger protein 14; plus strand). Cytogenetic location: 5q31.3.
Variant type: single nucleotide variant.
Coding change: c.67G>T on transcript NM_016580.4 (MANE Select); coding-DNA position 67, G replaced by T.
Protein change: p.Asp23Tyr; replaces aspartic acid 23 with tyrosine.
Molecular consequence: missense variant.
Genome position (GRCh38, 1-based): chr5:141,957,785, C>A on the plus strand (G>T on the coding strand, the complement: PCDH12 is on the minus strand). VCF-style: chr5-141957785-C-A. GRCh37 (hg19) VCF-style: chr5-141337350-C-A.
Other names: short protein forms D23Y.
Identifiers: ClinVar variation 1426894 (VCV001426894.6), dbSNP rs1273384465, ClinGen allele CA361592578.

ClinVar aggregate classification (germline): Uncertain significance (1 of 4 stars; one submission).

Allele frequency attached by ClinVar (database versions not stated): gnomAD exomes below 0.00001; TOPMed below 0.00001.
gnomAD v4.1: 1 of 1,607,922 alleles (0.000062%); highest among the groups gnomAD compares: Non-Finnish European, 0.000085%; no homozygotes.

Submission:

Labcorp Genetics (formerly Invitae), Labcorp
Classification: Uncertain significance. Last evaluated: 2024-12-09. Review status: criteria provided, single submitter. Criteria: Invitae Variant Classification Sherloc (09022015). Collection method: clinical testing. Allele origin: germline.
Comment: This sequence change replaces aspartic acid, which is acidic and polar, with tyrosine, which is neutral and polar, at codon 23 of the PCDH12 protein (p.Asp23Tyr). This variant is present in population databases (no rsID available, gnomAD no frequency). This variant has not been reported in the literature in individuals affected with PCDH12-related conditions. ClinVar contains an entry for this variant (Variation ID: 1426894). Invitae Evidence Modeling of protein sequence and biophysical properties (such as structural, functional, and spatial information, amino acid conservation, physicochemical variation, residue mobility, and thermodynamic stability) indicates that this missense variant is not expected to disrupt PCDH12 protein function with a negative predictive value of 95%. In summary, the available evidence is currently insufficient to determine the role of this variant in disease. Therefore, it has been classified as a Variant of Uncertain Significance.